The following is an entry in ClinVar:

NM_001127208.3(TET2):c.5688del (p.Ile1897fs)

Genes: TET2 (tet methylcytosine dioxygenase 2; plus strand), TET2-AS1 (TET2 antisense RNA 1; minus strand). Cytogenetic location: 4q24.
Variant type: Deletion.
Coding change: c.5688del on transcript NM_001127208.3 (MANE Select); coding-DNA position 5688, one base deleted (G; older notation c.5688delG).
Protein change: p.Ile1897fs; shifts the reading frame from isoleucine 1897.
Molecular consequence: frameshift variant.
Genome position (GRCh38, 1-based): chr4:105,276,198, G deleted; the last of 2 consecutive G bases (chr4:105,276,197-105,276,198); deleting either gives the same sequence. VCF-style (leftmost placement, unchanged base first): chr4-105276196-AG-A. GRCh37 (hg19) VCF-style: chr4-106197353-AG-A.
Other names: short protein forms I1897fs.
Identifiers: ClinVar variation 2754077 (VCV002754077.3), dbSNP rs2476754026, ClinGen allele CA2697546849.
Genomic context (GRCh38, chr4:105,276,196, plus strand): 5'-GCAAAGCGTGAGCTGCATGCCACAACCCCTTTAAAGAATCCCAATAGGAATCACCCCACC[AG>A]GATCTCCCTCGTCTTTTACCAGCATAAGAGCATGAATGAGCCAAAACATGGCTTGGCTCT-3'

ClinVar aggregate classification (germline): Uncertain significance (1 of 4 stars; one submission).

Submission:

Labcorp Genetics (formerly Invitae), Labcorp
Classification: Uncertain significance. Last evaluated: 2023-08-19. Review status: criteria provided, single submitter. Criteria: Invitae Variant Classification Sherloc (09022015). Collection method: clinical testing. Allele origin: germline.
Comment: This sequence change creates a premature translational stop signal (p.Ile1897Serfs*11) in the TET2 gene. While this is not anticipated to result in nonsense mediated decay, it is expected to disrupt the last 106 amino acid(s) of the TET2 protein. In summary, the available evidence is currently insufficient to determine the role of this variant in disease. Therefore, it has been classified as a Variant of Uncertain Significance. Experimental studies and prediction algorithms are not available or were not evaluated, and the functional significance of this variant is currently unknown. This variant has not been reported in the literature in individuals affected with TET2-related conditions. This variant is not present in population databases (gnomAD no frequency).